The following is an entry in ClinVar:

NM_001204424.2(RGS6):c.394+108G>C

Gene: RGS6 (regulator of G protein signaling 6; plus strand). Cytogenetic location: 14q24.2.
Variant type: single nucleotide variant.
Coding change: c.394+108G>C on transcript NM_001204424.2 (MANE Select); 108 bases into the intron after coding-DNA position 394, G replaced by C.
Molecular consequence: intron variant.
Genome position (GRCh38, 1-based): chr14:72,459,791, G>C. VCF-style: chr14-72459791-G-C. GRCh37 (hg19) VCF-style: chr14-72926499-G-C.
Other names: c.394+108G>C (NM_001370270.1, NM_001370289.1, NM_001370282.1 and 29 more transcripts); c.289+108G>C (NM_001204423.2).
Identifiers: ClinVar variation 1706811 (VCV001706811.2), dbSNP rs140941925, ClinGen allele CA262534183.

ClinVar aggregate classification (germline): Likely benign (1 of 4 stars; one submission).

Allele frequency attached by ClinVar (database versions not stated): 1000 Genomes Project 30x 0.00359; 1000 Genomes Project 0.00399; gnomAD 0.00497; TOPMed 0.00538.
gnomAD v4.1: 1,559 of 1,082,884 alleles (0.14%); highest among the groups gnomAD compares: African/African-American, 1.8%; 20 homozygotes.

Submission:

GeneDx
Classification: Likely benign. Last evaluated: 2020-02-06. Review status: criteria provided, single submitter. Criteria: GeneDx Variant Classification Process June 2021. Collection method: clinical testing. Allele origin: germline. Affected: yes.
Comment: See Variant Classification Assertion Criteria.